The following is an entry in ClinVar:

NM_020821.3(VPS13C):c.3527A>G (p.Lys1176Arg)

Gene: VPS13C (vacuolar protein sorting 13 homolog C; minus strand). Cytogenetic location: 15q22.2.
Variant type: single nucleotide variant.
Coding change: c.3527A>G on transcript NM_020821.3 (MANE Select); coding-DNA position 3527, A replaced by G.
Protein change: p.Lys1176Arg; replaces lysine 1176 with arginine.
Molecular consequence: missense variant.
Genome position (GRCh38, 1-based): chr15:61,962,447, T>C on the plus strand (A>G on the coding strand, the complement: VPS13C is on the minus strand). VCF-style: chr15-61962447-T-C. GRCh37 (hg19) VCF-style: chr15-62254646-T-C.
Other names: c.3527A>G, p.Lys1176Arg (NM_001018088.3); c.3398A>G, p.Lys1133Arg (NM_017684.5, NM_018080.4); short protein forms K1176R, K1133R.
Identifiers: ClinVar variation 1443899 (VCV001443899.3), dbSNP rs753528222, ClinGen allele CA7596352.
Genomic context (GRCh38, chr15:61,962,447, plus strand): 5'-AATTTATGAAGATAGACAATCTGAATACAGCCAACATTCAGAGACAGCACACCATCCACT[T>C]TGGACATGTCAGTATACAAATCCCCCTCAGTAGCATCTGGATACAAATCCAAATTAAAAC-3'
Protein context (NP_065872.1, residues 1166-1186): TEGDLYTDMS[Lys1176Arg]VDGVLSLNVG

ClinVar aggregate classification (germline): Uncertain significance (1 of 4 stars; one submission).

Allele frequency attached by ClinVar (database versions not stated): ExAC 0.00001; gnomAD 0.00001; gnomAD exomes 0.00001; TOPMed 0.00001.

Submission:

Labcorp Genetics (formerly Invitae), Labcorp
Classification: Uncertain significance. Last evaluated: 2021-09-29. Review status: criteria provided, single submitter. Criteria: Invitae Variant Classification Sherloc (09022015). Collection method: clinical testing. Allele origin: germline.
Comment: This sequence change replaces lysine with arginine at codon 1176 of the VPS13C protein (p.Lys1176Arg). The lysine residue is weakly conserved and there is a small physicochemical difference between lysine and arginine. This variant is present in population databases (rs753528222, ExAC 0.002%). This variant has not been reported in the literature in individuals affected with VPS13C-related conditions. Algorithms developed to predict the effect of missense changes on protein structure and function are either unavailable or do not agree on the potential impact of this missense change (SIFT: "Tolerated"; PolyPhen-2: "Possibly Damaging"; Align-GVGD: "Class C0"). Algorithms developed to predict the effect of sequence changes on RNA splicing suggest that this variant may create or strengthen a splice site. In summary, the available evidence is currently insufficient to determine the role of this variant in disease. Therefore, it has been classified as a Variant of Uncertain Significance.